The following is an entry in ClinVar:

ClinVar aggregate classification (germline): Uncertain significance (1 of 4 stars; one submission).

Submission:

Labcorp Genetics (formerly Invitae), Labcorp
Classification: Uncertain significance. Last evaluated: 2024-11-11. Review status: criteria provided, single submitter. Criteria: Invitae Variant Classification Sherloc (09022015). Collection method: clinical testing. Allele origin: germline.
Comment: This sequence change creates a premature translational stop signal (p.Gln1320*) in the DISP1 gene. While this is not anticipated to result in nonsense mediated decay, it is expected to disrupt the last 205 amino acid(s) of the DISP1 protein. This variant is not present in population databases (gnomAD no frequency). This variant has not been reported in the literature in individuals affected with DISP1-related conditions. ClinVar contains an entry for this variant (Variation ID: 1443138). Experimental studies and prediction algorithms are not available or were not evaluated, and the functional significance of this variant is currently unknown. In summary, the available evidence is currently insufficient to determine the role of this variant in disease. Therefore, it has been classified as a Variant of Uncertain Significance.

NM_001377229.1(DISP1):c.3958C>T (p.Gln1320Ter)

Gene: DISP1 (dispatched RND transporter family member 1; plus strand). Cytogenetic location: 1q41.
Variant type: single nucleotide variant.
Coding change: c.3958C>T on transcript NM_001377229.1 (MANE Select); coding-DNA position 3958, C replaced by T.
Protein change: p.Gln1320Ter; replaces glutamine 1320 with a stop codon.
Molecular consequence: nonsense.
Genome position (GRCh38, 1-based): chr1:223,005,355, C>T. VCF-style: chr1-223005355-C-T. GRCh37 (hg19) VCF-style: chr1-223178697-C-T.
Other names: c.3229C>T, p.Gln1077Ter (NM_001350630.2); c.3958C>T, p.Gln1320Ter (NM_001369594.1, NM_001377228.1, NM_032890.5); short protein forms Q1320*, Q1077*.
Identifiers: ClinVar variation 1443138 (VCV001443138.6), dbSNP rs2102809654, ClinGen allele CA344692234.